The following is an entry in ClinVar:

ClinVar aggregate classification (germline): Pathogenic (1 of 4 stars; one submission).

Conditions:
Familial adenomatous polyposis 1 (FAP1). Also called: FAMILIAL ADENOMATOUS POLYPOSIS 1, ATTENUATED; POLYPOSIS, ADENOMATOUS INTESTINAL. Identifiers: MedGen C2713442, MONDO:0021056, OMIM 175100. Disease mechanism: loss of function.

Submission:

Labcorp Genetics (formerly Invitae), Labcorp
Classification: Pathogenic for Familial adenomatous polyposis 1. Last evaluated: 2020-08-03. Review status: criteria provided, single submitter. Criteria: Invitae Variant Classification Sherloc (09022015). Collection method: clinical testing. Allele origin: germline.
Comment: This sequence change creates a premature translational stop signal (p.Ser254Leufs*3) in the APC gene. It is expected to result in an absent or disrupted protein product. For these reasons, this variant has been classified as Pathogenic. Loss-of-function variants in APC are known to be pathogenic (PMID: 17963004, 20685668). This variant has not been reported in the literature in individuals with APC-related conditions. This variant is not present in population databases (ExAC no frequency).

Literature cited by the submitters: PubMed 17963004; PubMed 20685668.

NM_000038.6(APC):c.758dup (p.Ser254fs)

Gene: APC (APC regulator of Wnt signaling pathway; plus strand). Cytogenetic location: 5q22.2.
Variant type: Duplication.
Coding change: c.758dup on transcript NM_000038.6 (MANE Select); coding-DNA position 758, one base duplicated (G; older notation c.758dupG).
Protein change: p.Ser254fs; shifts the reading frame from serine 254.
Molecular consequence: frameshift variant. On other transcripts: 5 prime UTR variant (1).
Genome position (GRCh38, 1-based): chr5:112,801,307, G duplicated; the last of 2 consecutive G bases (chr5:112,801,306-112,801,307); duplicating either gives the same sequence. VCF-style (leftmost placement, unchanged base first): chr5-112801305-C-CG. GRCh37 (hg19) VCF-style: chr5-112137002-C-CG.
Other names: c.758dup, p.Ser254fs (NM_001127510.3, NM_001354895.2, NM_001354896.2 and 1 more transcripts); c.704dup, p.Ser236fs (NM_001127511.3); c.788dup, p.Ser264fs (NM_001354897.2, NM_001354902.2); c.683dup, p.Ser229fs (NM_001354898.2, NM_001354904.2); c.674dup, p.Ser226fs (NM_001354899.2); c.581dup, p.Ser195fs (NM_001354900.2, NM_001354901.2, NM_001354905.2); c.-278dup (NM_001354906.2); short protein forms S195fs, S226fs, S229fs, S236fs, S254fs, S264fs.
Identifiers: ClinVar variation 1068687 (VCV001068687.8), dbSNP rs2149711589, ClinGen allele CA2499217440.
Genomic context (GRCh38, chr5:112,801,305, plus strand): 5'-TTTGCATGTACTGATGTTAACTCCATCTTAACAGAGGTCATCTCAGAACAAGCATGAAAC[C>CG]GGCTCACATGATGCTGAGCGGCAGAATGAAGGTCAAGGAGTGGGAGAAATCAACATGGCA-3'